The following is an entry in ClinVar:

NM_001197104.2(KMT2A):c.5589G>T (p.Glu1863Asp)

Gene: KMT2A (lysine methyltransferase 2A; plus strand). Cytogenetic location: 11q23.3.
Variant type: single nucleotide variant.
Coding change: c.5589G>T on transcript NM_001197104.2 (MANE Select); coding-DNA position 5589, G replaced by T.
Protein change: p.Glu1863Asp; replaces glutamic acid 1863 with aspartic acid.
Molecular consequence: missense variant.
Genome position (GRCh38, 1-based): chr11:118,496,292, G>T. VCF-style: chr11-118496292-G-T. GRCh37 (hg19) VCF-style: chr11-118367007-G-T.
Other names: c.5580G>T, p.Glu1860Asp (NM_005933.4); short protein forms E1863D, E1860D.
Identifiers: ClinVar variation 749112 (VCV000749112.16), dbSNP rs565762131, ClinGen allele CA6304080.

ClinVar aggregate classification (germline): Benign/Likely benign. Review status: criteria provided, multiple submitters, no conflicts (2 of 4 stars). 4 submissions from 4 submitters: Benign (1); Likely benign (2). 1 of the submissions does not count toward it. Last evaluated 2026-01-10.

Conditions:
KMT2A-related disorder. Also called: KMT2A-related condition.

Allele frequency attached by ClinVar (database versions not stated): gnomAD 0.00003 and 0.00044; TOPMed 0.00007; gnomAD exomes 0.00145; 1000 Genomes Project 30x 0.00390; 1000 Genomes Project 0.00419.
gnomAD v4.1: 1,090 of 1,613,914 alleles (0.068%); highest among the groups gnomAD compares: South Asian, 1.1%; 16 homozygotes.

Submissions (4):

Labcorp Genetics (formerly Invitae), Labcorp
Classification: Benign. Last evaluated: 2026-01-10. Review status: criteria provided, single submitter. Criteria: Invitae Variant Classification Sherloc (09022015). Collection method: clinical testing. Allele origin: germline.

GeneDx
Classification: Likely benign. Last evaluated: 2021-05-13. Review status: criteria provided, single submitter. Criteria: GeneDx Variant Classification Process June 2021. Collection method: clinical testing. Allele origin: germline. Affected: yes.

Breakthrough Genomics
Classification: Likely benign. Review status: criteria provided, single submitter. Criteria: ACMG Guidelines, 2015. Collection method: not provided. Allele origin: germline. Inheritance: Autosomal dominant inheritance. Affected: yes.

PreventionGenetics, part of Exact Sciences
Classification: Benign for KMT2A-related condition. Last evaluated: 2019-08-14. Review status: no assertion criteria provided. Collection method: clinical testing. Allele origin: germline. Not counted in ClinVar's aggregate classification.
Comment: This variant is classified as benign based on ACMG/AMP sequence variant interpretation guidelines (Richards et al. 2015 PMID: 25741868, with internal and published modifications).